The following is an entry in ClinVar:

NM_001164508.2(NEB):c.3411C>G (p.Tyr1137Ter)

Gene: NEB (nebulin; minus strand). Cytogenetic location: 2q23.3.
Variant type: single nucleotide variant.
Coding change: c.3411C>G on transcript NM_001164508.2 (MANE Select); coding-DNA position 3411, C replaced by G.
Protein change: p.Tyr1137Ter; replaces tyrosine 1137 with a stop codon.
Molecular consequence: nonsense.
Genome position (GRCh38, 1-based): chr2:151,678,032, G>C on the plus strand (C>G on the coding strand, the complement: NEB is on the minus strand). VCF-style: chr2-151678032-G-C. GRCh37 (hg19) VCF-style: chr2-152534546-G-C.
Other names: c.3411C>G, p.Tyr1137Ter (NM_001164507.2, NM_001271208.2, NM_004543.5); short protein forms Y1137*.
Identifiers: ClinVar variation 5015720 (VCV005015720.1).

ClinVar aggregate classification (germline): Pathogenic (1 of 4 stars; one submission).

Conditions:
Nemaline myopathy 2 (NEM2). Also called: Nemaline myopathy 2, autosomal recessive. Identifiers: MedGen C1850569, MONDO:0009725, OMIM 256030.

Submission:

Myriad Genetics, Inc.
Classification: Pathogenic for Nemaline myopathy 2. Last evaluated: 2026-03-24. Review status: criteria provided, single submitter. Criteria: Myriad Autosomal Dominant, Autosomal Recessive and X-Linked Classification Criteria (2023). Collection method: clinical testing. Allele origin: unknown.
Comment: NM_001271208.1(NEB):c.3411C>G(Y1137*) is expected to be pathogenic in the context of NEB-related nemaline myopathy. This variant is predicted to lead to an abnormal or absent protein product due to the creation of a premature termination codon in NEB, a gene where loss-of-function variants are known to be pathogenic. Please note: this variant was assessed in the context of healthy population screening.